The following is an entry in ClinVar:

NM_000310.4(PPT1):c.627+8C>T

Gene: PPT1 (palmitoyl-protein thioesterase 1; minus strand). Cytogenetic location: 1p34.2.
Variant type: single nucleotide variant.
Coding change: c.627+8C>T on transcript NM_000310.4 (MANE Select); 8 bases into the intron after coding-DNA position 627, C replaced by T.
Molecular consequence: intron variant.
Genome position (GRCh38, 1-based): chr1:40,080,389, G>A on the plus strand (C>T on the coding strand, the complement: PPT1 is on the minus strand). VCF-style: chr1-40080389-G-A. GRCh37 (hg19) VCF-style: chr1-40546061-G-A.
Other names: c.318+8C>T (NM_001142604.2); c.627+8C>T (NM_001363695.2).
Identifiers: ClinVar variation 668691 (VCV000668691.9), dbSNP rs1427848229, ClinGen allele CA735687521.

ClinVar aggregate classification (germline): Likely benign. Review status: criteria provided, multiple submitters, no conflicts (2 of 4 stars). 2 submissions from 2 submitters: Likely benign (2). Last evaluated 2025-05-14.

Conditions:
Neuronal ceroid lipofuscinosis 1 (CLN1). Also called: CEROID LIPOFUSCINOSIS, NEURONAL, 1, VARIABLE AGE AT ONSET; PPT1-Related Neuronal Ceroid-Lipofuscinosis. Identifiers: Orphanet 228329, MedGen C1850451, MONDO:0009744, OMIM 256730.

Allele frequency attached by ClinVar (database versions not stated): gnomAD exomes below 0.00001; TOPMed below 0.00001; gnomAD 0.00002.
gnomAD v4.1: 5 of 1,613,036 alleles (0.00031%); highest among the groups gnomAD compares: Non-Finnish European, 0.00042%; no homozygotes.

Submissions (2):

Labcorp Genetics (formerly Invitae), Labcorp
Classification: Likely benign for Neuronal ceroid lipofuscinosis 1. Last evaluated: 2025-05-14. Review status: criteria provided, single submitter. Criteria: Invitae Variant Classification Sherloc (09022015). Collection method: clinical testing. Allele origin: germline.

GeneDx
Classification: Likely benign. Last evaluated: 2018-05-24. Review status: criteria provided, single submitter. Criteria: GeneDx Variant Classification (06012015). Collection method: clinical testing. Allele origin: germline. Affected: yes.
Comment: This variant is considered likely benign or benign based on one or more of the following criteria: it is a conservative change, it occurs at a poorly conserved position in the protein, it is predicted to be benign by multiple in silico algorithms, and/or has population frequency not consistent with disease.